The following is an entry in ClinVar:

NM_001374828.1(ARID1B):c.5830C>T (p.Leu1944Phe)

Gene: ARID1B (AT-rich interaction domain 1B; plus strand). Cytogenetic location: 6q25.3.
Variant type: single nucleotide variant.
Coding change: c.5830C>T on transcript NM_001374828.1 (MANE Select); coding-DNA position 5830, C replaced by T.
Protein change: p.Leu1944Phe; replaces leucine 1944 with phenylalanine.
Molecular consequence: missense variant.
Genome position (GRCh38, 1-based): chr6:157,206,602, C>T. VCF-style: chr6-157206602-C-T. GRCh37 (hg19) VCF-style: chr6-157527736-C-T.
Other names: c.5713C>T, p.Leu1905Phe (NM_001438486.1); c.5650C>T, p.Leu1884Phe (NM_001438487.1); c.3172C>T, p.Leu1058Phe (NM_001438488.1); c.5671C>T, p.Leu1891Phe (NM_017519.3); c.3331C>T, p.Leu1111Phe (NM_001363725.2); c.5710C>T, p.Leu1904Phe (NM_001371656.1, NM_001374820.1); c.5959C>T, p.Leu1987Phe (NM_001438482.1); c.5872C>T, p.Leu1958Phe (NM_001438483.1); and 2 more; short protein forms L1058F, L1111F, L1884F, L1891F, L1904F, L1905F, L1914F, L1944F.
Identifiers: ClinVar variation 4863430 (VCV004863430.1).

ClinVar aggregate classification (germline): Uncertain significance (1 of 4 stars; one submission).

Conditions:
Inborn genetic diseases. Identifiers: MedGen C0950123, MeSH D030342.

gnomAD v4.1: 2 of 1,613,924 alleles (0.00012%); highest among the groups gnomAD compares: East Asian, 0.0022%; no homozygotes.

Submission:

Ambry Genetics
Classification: Uncertain significance for Inborn genetic diseases. Last evaluated: 2026-03-19. Review status: criteria provided, single submitter. Criteria: Ambry Variant Classification Scheme 2023. Collection method: clinical testing. Allele origin: germline.
Comment: The c.5461C>T (p.L1821F) alteration is located in exon 20 (coding exon 20) of the ARID1B gene. This alteration results from a C to T substitution at nucleotide position 5461, causing the leucine (L) at amino acid position 1821 to be replaced by a phenylalanine (F). Based on data from gnomAD, the T allele has an overall frequency of <0.001% (1/251386) total alleles studied. The highest observed frequency was 0.001% (1/113704) of European (non-Finnish) alleles. Based on insufficient or conflicting evidence, the clinical significance of this alteration remains unclear.